The following is an entry in ClinVar:

NM_001384732.1(CPLANE1):c.7234-7C>G

Gene: CPLANE1 (ciliogenesis and planar polarity effector complex subunit 1; minus strand). Cytogenetic location: 5p13.2.
Variant type: single nucleotide variant.
Coding change: c.7234-7C>G on transcript NM_001384732.1 (MANE Select); 7 bases into the intron before coding-DNA position 7234, C replaced by G.
Molecular consequence: intron variant.
Genome position (GRCh38, 1-based): chr5:37,167,220, G>C on the plus strand (C>G on the coding strand, the complement: CPLANE1 is on the minus strand). VCF-style: chr5-37167220-G-C. GRCh37 (hg19) VCF-style: chr5-37167322-G-C.
Other names: c.7234-7C>G (NM_023073.4).
Identifiers: ClinVar variation 353439 (VCV000353439.43), dbSNP rs141575785, ClinGen allele CA3238114.

ClinVar aggregate classification (germline): Benign/Likely benign. Review status: criteria provided, multiple submitters, no conflicts (2 of 4 stars). 6 submissions from 6 submitters: Benign (1); Likely benign (4). 1 of the submissions does not count toward it. Last evaluated 2026-02-01.

Conditions:
Joubert syndrome 17 (JBTS17). Identifiers: Orphanet 475, MedGen C3553264, MONDO:0013824, OMIM 614615.

Allele frequency attached by ClinVar (database versions not stated): ESP Exome Variant Server 0.00315; TOPMed 0.00328; gnomAD exomes 0.00026 and 0.00079; ExAC 0.00100; 1000 Genomes Project 30x 0.00187; 1000 Genomes Project 0.00220; gnomAD 0.00260 and 0.00285.
gnomAD v4.1: 808 of 1,598,298 alleles (0.051%); highest among the groups gnomAD compares: African/African-American, 0.93%; 5 homozygotes.

Submissions (6):

Labcorp Genetics (formerly Invitae), Labcorp
Classification: Benign. Last evaluated: 2026-02-01. Review status: criteria provided, single submitter. Criteria: Invitae Variant Classification Sherloc (09022015). Collection method: clinical testing. Allele origin: germline.

CeGaT Center for Human Genetics Tuebingen
Classification: Likely benign. Last evaluated: 2026-01-01. Review status: criteria provided, single submitter. Criteria: CeGaT Center For Human Genetics Tuebingen Variant Classification Criteria Version 2. Collection method: clinical testing. Allele origin: germline. Affected: yes. Observed: 2 variant alleles.
Comment: CPLANE1: BP4, BS2

Blueprint Genetics
Classification: Likely benign. Last evaluated: 2024-11-05. Review status: criteria provided, single submitter. Criteria: ACMG Guidelines, 2015. Collection method: clinical testing. Allele origin: germline.

GeneDx
Classification: Likely benign. Last evaluated: 2021-04-22. Review status: criteria provided, single submitter. Criteria: GeneDx Variant Classification Process June 2021. Collection method: clinical testing. Allele origin: germline. Affected: yes.

Illumina Laboratory Services, Illumina
Classification: Likely benign for Joubert syndrome 17. Last evaluated: 2018-01-13. Review status: criteria provided, single submitter. Criteria: ICSL Variant Classification Criteria 13 December 2019. Collection method: clinical testing. Allele origin: germline.
Comment: This variant was observed in the ICSL laboratory as part of a predisposition screen in an ostensibly healthy population. It had not been previously curated by ICSL or reported in the Human Gene Mutation Database (HGMD: prior to June 1st, 2018), and was therefore a candidate for classification through an automated scoring system. Utilizing variant allele frequency, disease prevalence and penetrance estimates, and inheritance mode, an automated score was calculated to assess if this variant is too frequent to cause the disease. Based on the score and internal cut-off values, a variant classified as likely benign is not then subjected to further curation. The score for this variant resulted in a classification of likely benign for this disease.

Genetic Services Laboratory, University of Chicago
Classification: Likely benign. Last evaluated: 2022-08-22. Review status: no assertion criteria provided. Collection method: clinical testing. Allele origin: germline. Affected: no. Not counted in ClinVar's aggregate classification.